The following is an entry in ClinVar:

ClinVar aggregate classification (germline): Uncertain significance (1 of 4 stars; one submission).

Conditions:
Norman-Roberts syndrome (LIS2). Also called: Lissencephaly 2 (Norman-Roberts type). Identifiers: Orphanet 89844, MedGen C0796089, MONDO:0009760, OMIM 257320.
Familial temporal lobe epilepsy 7. Identifiers: Orphanet 101046, MedGen C4225327, MONDO:0014639, OMIM 616436.

Allele frequency attached by ClinVar (database versions not stated): gnomAD 0.00001; gnomAD exomes 0.00001 and 0.00004; TOPMed 0.00001; ExAC 0.00002; ESP Exome Variant Server 0.00008.
gnomAD v4.1: 56 of 1,613,964 alleles (0.0035%); highest among the groups gnomAD compares: Non-Finnish European, 0.0047%; no homozygotes.

Submission:

Labcorp Genetics (formerly Invitae), Labcorp
Classification: Uncertain significance for Familial temporal lobe epilepsy 7; Norman-Roberts syndrome. Last evaluated: 2025-02-03. Review status: criteria provided, single submitter. Criteria: Invitae Variant Classification Sherloc (09022015). Collection method: clinical testing. Allele origin: germline.
Comment: This sequence change replaces histidine, which is basic and polar, with asparagine, which is neutral and polar, at codon 43 of the RELN protein (p.His43Asn). This variant is present in population databases (rs369522512, gnomAD 0.004%). This variant has not been reported in the literature in individuals affected with RELN-related conditions. ClinVar contains an entry for this variant (Variation ID: 569370). Invitae Evidence Modeling of protein sequence and biophysical properties (such as structural, functional, and spatial information, amino acid conservation, physicochemical variation, residue mobility, and thermodynamic stability) indicates that this missense variant is not expected to disrupt RELN protein function with a negative predictive value of 80%. In summary, the available evidence is currently insufficient to determine the role of this variant in disease. Therefore, it has been classified as a Variant of Uncertain Significance.

NM_005045.4(RELN):c.127C>A (p.His43Asn)

Gene: RELN (reelin; minus strand). Cytogenetic location: 7q22.1.
Variant type: single nucleotide variant.
Coding change: c.127C>A on transcript NM_005045.4 (MANE Select); coding-DNA position 127, C replaced by A.
Protein change: p.His43Asn; replaces histidine 43 with asparagine.
Molecular consequence: missense variant.
Genome position (GRCh38, 1-based): chr7:103,989,230, G>T on the plus strand (C>A on the coding strand, the complement: RELN is on the minus strand). VCF-style: chr7-103989230-G-T. GRCh37 (hg19) VCF-style: chr7-103629677-G-T.
Other names: c.127C>A, p.His43Asn (NM_173054.3); short protein forms H43N.
Identifiers: ClinVar variation 569370 (VCV000569370.9), dbSNP rs369522512, ClinGen allele CA4422713.